The following is an entry in ClinVar:

ClinVar aggregate classification (germline): Uncertain significance. Review status: criteria provided, multiple submitters, no conflicts (2 of 4 stars). 2 submissions from 2 submitters: Uncertain significance (2). Last evaluated 2024-04-04.

Conditions:
Vici syndrome (VICIS). Identifiers: Orphanet 1493, MedGen C1855772, MONDO:0009452, OMIM 242840.

Allele frequency attached by ClinVar (database versions not stated): ExAC 0.00001; gnomAD 0.00001; TOPMed 0.00001; gnomAD exomes 0.00002.
gnomAD v4.1: 7 of 1,613,992 alleles (0.00043%); highest among the groups gnomAD compares: Non-Finnish European, 0.00051%; no homozygotes.

Submissions (2):

Blueprint Genetics
Classification: Uncertain significance. Last evaluated: 2024-04-04. Review status: criteria provided, single submitter. Criteria: ACMG Guidelines, 2015. Collection method: clinical testing. Allele origin: germline.

Labcorp Genetics (formerly Invitae), Labcorp
Classification: Uncertain significance for Vici syndrome. Last evaluated: 2022-02-03. Review status: criteria provided, single submitter. Criteria: Invitae Variant Classification Sherloc (09022015). Collection method: clinical testing. Allele origin: germline.
Comment: This variant has not been reported in the literature in individuals affected with EPG5-related conditions. Algorithms developed to predict the effect of missense changes on protein structure and function are either unavailable or do not agree on the potential impact of this missense change (SIFT: "Tolerated"; PolyPhen-2: "Probably Damaging"; Align-GVGD: "Class C0"). In summary, the available evidence is currently insufficient to determine the role of this variant in disease. Therefore, it has been classified as a Variant of Uncertain Significance. This variant is present in population databases (rs757958571, gnomAD 0.004%). This sequence change replaces alanine, which is neutral and non-polar, with serine, which is neutral and polar, at codon 625 of the EPG5 protein (p.Ala625Ser).

NM_020964.3(EPG5):c.1873G>T (p.Ala625Ser)

Gene: EPG5 (ectopic P-granules 5 autophagy tethering factor; minus strand). Cytogenetic location: 18q21.1.
Variant type: single nucleotide variant.
Coding change: c.1873G>T on transcript NM_020964.3 (MANE Select); coding-DNA position 1873, G replaced by T.
Protein change: p.Ala625Ser; replaces alanine 625 with serine.
Molecular consequence: missense variant.
Genome position (GRCh38, 1-based): chr18:45,943,231, C>A on the plus strand (G>T on the coding strand, the complement: EPG5 is on the minus strand). VCF-style: chr18-45943231-C-A. GRCh37 (hg19) VCF-style: chr18-43523197-C-A.
Other names: short protein forms A625S.
Identifiers: ClinVar variation 1388707 (VCV001388707.10), dbSNP rs757958571, ClinGen allele CA8949584.
Genomic context (GRCh38, chr18:45,943,231, plus strand): 5'-AACCAATTCGCTTCACAAACTGCCTATAGCGTGCTCTATTAAAGGTTTCTAACCCCACAG[C>A]CAGAAGTTCCACTAGTGAGTTGGCAAAGGCAAAAATTTTCATCATCTCTTGAGGTCTTGT-3'
Protein context (NP_066015.2, residues 615-635): AFANSLVELL[Ala625Ser]VGLETFNRAR